The following is an entry in ClinVar:

NM_015506.3(MMACHC):c.619del (p.Asp207fs)

Genes: MMACHC (metabolism of cobalamin associated C; plus strand), LOC129930446 (ATAC-STARR-seq lymphoblastoid active region 972; plus strand). Cytogenetic location: 1p34.1.
Variant type: Deletion.
Coding change: c.619del on transcript NM_015506.3 (MANE Select); coding-DNA position 619, one base deleted (G; older notation c.619delG).
Protein change: p.Asp207fs; shifts the reading frame from aspartic acid 207.
Molecular consequence: frameshift variant.
Genome position (GRCh38, 1-based): chr1:45,508,985, G deleted; the last of 3 consecutive G bases (chr1:45,508,983-45,508,985); deleting any one gives the same sequence. VCF-style (leftmost placement, unchanged base first): chr1-45508982-CG-C. GRCh37 (hg19) VCF-style: chr1-45974654-CG-C.
Other names: c.448del, p.Asp150fs (NM_001330540.2); short protein forms D150fs, D207fs.
Identifiers: ClinVar variation 1453735 (VCV001453735.8), dbSNP rs765913293, ClinGen allele CA2573132354.
Genomic context (GRCh38, chr1:45,508,982, plus strand): 5'-AGAGCTGACCGTATCGCCCTACTCGAAGGCTTCAATTTCCACTGGCGTGATTGGACTTAC[CG>C]GGATGCTGTGACACCCCAGGAGCGCTACTCAGAAGAGCAGAAGGCCTACTTCTCCACTCC-3'

ClinVar aggregate classification (germline): Pathogenic (1 of 4 stars; one submission).

Conditions:
Cobalamin C disease. Also called: Cobalamin-C methylmalonic acidemia and homocystinuria; Methylmalonic acidemia and homocystinuria cblC type; Methylmalonic aciduria with homocystinuria cblC type; Methylmalonic aciduria and homocystinuria, Vitamin B12-responsive; Vitamin B12 metabolic defect with combined deficiency of methylmalonyl-CoA mutase and homocysteine:methyltetrahydrofolate methyltransferase; methylmalonic aciduria and homocystinuria type cblC. Identifiers: Orphanet 26, Orphanet 79282, MedGen C1848561, MONDO:0010184, OMIM 277400.

Submission:

Labcorp Genetics (formerly Invitae), Labcorp
Classification: Pathogenic for Cobalamin C disease. Last evaluated: 2020-12-15. Review status: criteria provided, single submitter. Criteria: Invitae Variant Classification Sherloc (09022015). Collection method: clinical testing. Allele origin: germline.
Comment: This sequence change creates a premature translational stop signal (p.Asp207Metfs*3) in the MMACHC gene. While this is not anticipated to result in nonsense mediated decay, it is expected to disrupt the last 76 amino acid(s) of the MMACHC protein. This variant is not present in population databases (ExAC no frequency). This variant has not been reported in the literature in individuals with MMACHC-related conditions. This variant disrupts the C-terminus of the MMACHC protein. Other variant(s) that disrupt this region (p.Tyr222*) have been determined to be pathogenic (PMID: 16311595, 19767224, 30157807). This suggests that variants that disrupt this region of the protein are likely to be causative of disease. For these reasons, this variant has been classified as Pathogenic.

Literature cited by the submitters: PubMed 16311595; PubMed 19767224; PubMed 30157807.